The following is an entry in ClinVar:

ClinVar aggregate classification (germline): Uncertain significance (1 of 4 stars; one submission).

Conditions:
Malignant hyperthermia, susceptibility to, 5 (MHS5). Also called: CACNA1S-Related Malignant Hyperthermia Susceptibility. Identifiers: Orphanet 423, MedGen C1866077, MONDO:0011163, OMIM 601887.

gnomAD v4.1: 3 of 1,614,136 alleles (0.00019%); highest among the groups gnomAD compares: African/African-American, 0.0027%; no homozygotes.

Submission:

All of Us Research Program, National Institutes of Health
Classification: Uncertain significance for Malignant hyperthermia, susceptibility to, 5. Last evaluated: 2024-05-17. Review status: criteria provided, single submitter. Criteria: ACMG Guidelines, 2015. Collection method: clinical testing. Allele origin: germline. Inheritance: Autosomal dominant inheritance. Observed: 1 variant allele, 1 heterozygote.
Comment: This study involves interpretation of variants in research participants for the purpose of population health screening. Participant phenotype was not available at the time of variant classification. Additional details can be found in publication PMID: 35346344, PMCID: PMC8962531

NM_000069.3(CACNA1S):c.4065C>A (p.Asn1355Lys)

Gene: CACNA1S (calcium voltage-gated channel subunit alpha1 S; minus strand). Cytogenetic location: 1q32.1.
Variant type: single nucleotide variant.
Coding change: c.4065C>A on transcript NM_000069.3 (MANE Select); coding-DNA position 4065, C replaced by A.
Protein change: p.Asn1355Lys; replaces asparagine 1355 with lysine.
Molecular consequence: missense variant.
Genome position (GRCh38, 1-based): chr1:201,051,032, G>T on the plus strand (C>A on the coding strand, the complement: CACNA1S is on the minus strand). VCF-style: chr1-201051032-G-T. GRCh37 (hg19) VCF-style: chr1-201020160-G-T.
Other names: short protein forms N1355K.
Identifiers: ClinVar variation 3386316 (VCV003386316.1).